The following is an entry in ClinVar:

ClinVar aggregate classification (germline): Uncertain significance (1 of 4 stars; one submission).

Conditions:
Myopathy, centronuclear, 2 (CNM2). Also called: MYOTUBULAR MYOPATHY, AUTOSOMAL RECESSIVE. Identifiers: Orphanet 169186, MedGen CN031787, MONDO:0009709, OMIM 255200.

gnomAD v4.1: 1 of 1,586,212 alleles (0.000063%); highest among the groups gnomAD compares: East Asian, 0.0023%; no homozygotes.

Submission:

Labcorp Genetics (formerly Invitae), Labcorp
Classification: Uncertain significance for Myopathy, centronuclear, 2. Last evaluated: 2022-09-23. Review status: criteria provided, single submitter. Criteria: Invitae Variant Classification Sherloc (09022015). Collection method: clinical testing. Allele origin: germline.
Comment: Advanced modeling of protein sequence and biophysical properties (such as structural, functional, and spatial information, amino acid conservation, physicochemical variation, residue mobility, and thermodynamic stability) performed at Invitae indicates that this missense variant is not expected to disrupt BIN1 protein function. In summary, the available evidence is currently insufficient to determine the role of this variant in disease. Therefore, it has been classified as a Variant of Uncertain Significance. ClinVar contains an entry for this variant (Variation ID: 1357828). This sequence change replaces glutamic acid, which is acidic and polar, with lysine, which is basic and polar, at codon 315 of the BIN1 protein (p.Glu315Lys). This variant is not present in population databases (gnomAD no frequency). This variant has not been reported in the literature in individuals affected with BIN1-related conditions.

NM_139343.3(BIN1):c.943G>A (p.Glu315Lys)

Gene: BIN1 (bridging integrator 1; minus strand). Cytogenetic location: 2q14.3.
Variant type: single nucleotide variant.
Coding change: c.943G>A on transcript NM_139343.3 (MANE Select); coding-DNA position 943, G replaced by A.
Protein change: p.Glu315Lys; replaces glutamic acid 315 with lysine.
Molecular consequence: missense variant.
Genome position (GRCh38, 1-based): chr2:127,059,070, C>T on the plus strand (G>A on the coding strand, the complement: BIN1 is on the minus strand). VCF-style: chr2-127059070-C-T. GRCh37 (hg19) VCF-style: chr2-127816646-C-T.
Other names: c.895G>A, p.Glu299Lys (NM_001320632.2, NM_004305.4, NM_139346.3); c.943G>A, p.Glu315Lys (NM_001320633.2, NM_001320640.2, NM_139344.3 and 1 more transcripts); c.778G>A, p.Glu260Lys (NM_001320634.1); c.850G>A, p.Glu284Lys (NM_001320641.2, NM_139347.3, NM_139348.3 and 3 more transcripts); c.862G>A, p.Glu288Lys (NM_001320642.1); short protein forms E260K, E299K, E288K, E315K, E284K.
Identifiers: ClinVar variation 1357828 (VCV001357828.6), dbSNP rs769801396, ClinGen allele CA55345164.